The following is an entry in ClinVar:

NM_000051.4(ATM):c.73-12T>C

Gene: ATM (ATM serine/threonine kinase; plus strand). Cytogenetic location: 11q22.3.
Variant type: single nucleotide variant.
Coding change: c.73-12T>C on transcript NM_000051.4 (MANE Select); 12 bases into the intron before coding-DNA position 73, T replaced by C.
Molecular consequence: intron variant.
Genome position (GRCh38, 1-based): chr11:108,227,764, T>C. VCF-style: chr11-108227764-T-C. GRCh37 (hg19) VCF-style: chr11-108098491-T-C.
Other names: c.73-12T>C (NM_001351834.2, NM_001351835.2, NM_001351836.2).
Identifiers: ClinVar variation 1545359 (VCV001545359.9), dbSNP rs2078815559, ClinGen allele CA2573146412.

ClinVar aggregate classification (germline): Likely benign. Review status: criteria provided, multiple submitters, no conflicts (2 of 4 stars). 2 submissions from 2 submitters: Likely benign (2). Last evaluated 2024-04-17.

Conditions:
Ataxia-telangiectasia syndrome (AT). Also called: Ataxia telangiectasia (A-T); ATAXIA-TELANGIECTASIA, COMPLEMENTATION GROUP A; ATAXIA-TELANGIECTASIA, FRESNO VARIANT; Ataxia-telangiectasia; Ataxia-telangiectasia, complementation group E; Cerebello-oculocutaneous telangiectasia. Identifiers: Orphanet 100, MedGen C0004135, MONDO:0008840, OMIM 208900.
Familial cancer of breast. Also called: Hereditary breast cancer; hereditary breast carcinoma; BREAST CANCER, FAMILIAL. Identifiers: Orphanet 227535, MedGen C0346153, MONDO:0016419, OMIM 114480. Disease mechanism: loss of function.

Submissions (2):

Myriad Genetics, Inc.
Classification: Likely benign for Familial cancer of breast. Last evaluated: 2024-04-17. Review status: criteria provided, single submitter. Criteria: Myriad Autosomal Dominant, Autosomal Recessive and X-Linked Classification Criteria (2023). Collection method: clinical testing. Allele origin: unknown.
Comment: This variant is considered likely benign. This variant is intronic and is not expected to impact mRNA splicing.

Labcorp Genetics (formerly Invitae), Labcorp
Classification: Likely benign for Ataxia-telangiectasia syndrome. Last evaluated: 2024-02-10. Review status: criteria provided, single submitter. Criteria: Invitae Variant Classification Sherloc (09022015). Collection method: clinical testing. Allele origin: germline.